The following is an entry in ClinVar:

ClinVar aggregate classification (germline): Conflicting classifications of pathogenicity. Review status: criteria provided, conflicting classifications (1 of 4 stars). 4 submissions from 4 submitters: Uncertain significance (1); Likely benign (2). 1 of the submissions does not count toward it. Last evaluated 2026-01-28.

Conditions:
Inborn genetic diseases. Identifiers: MedGen C0950123, MeSH D030342.
NPC1-related disorder. Also called: NPC1-related condition.
Niemann-Pick disease, type C1. Also called: NEUROVISCERAL STORAGE DISEASE WITH VERTICAL SUPRANUCLEAR OPHTHALMOPLEGIA; NIEMANN-PICK DISEASE WITH CHOLESTEROL ESTERIFICATION BLOCK; NIEMANN-PICK DISEASE WITHOUT SPHINGOMYELINASE DEFICIENCY; NIEMANN-PICK DISEASE, CHRONIC NEURONOPATHIC FORM; NIEMANN-PICK DISEASE, VARIANT TYPE C1. Identifiers: Orphanet 646, MedGen C3179455, MONDO:0009757, OMIM 257220.

Allele frequency attached by ClinVar (database versions not stated): gnomAD exomes 0.00003 and 0.00012; ExAC 0.00014; gnomAD 0.00022; 1000 Genomes Project 30x 0.00031; TOPMed 0.00031; ESP Exome Variant Server 0.00038; 1000 Genomes Project 0.00040.
gnomAD v4.1: 76 of 1,614,056 alleles (0.0047%); highest among the groups gnomAD compares: African/African-American, 0.069%; no homozygotes.

Submissions (4):

Labcorp Genetics (formerly Invitae), Labcorp
Classification: Likely benign for Niemann-Pick disease, type C1. Last evaluated: 2026-01-28. Review status: criteria provided, single submitter. Criteria: Invitae Variant Classification Sherloc (09022015). Collection method: clinical testing. Allele origin: germline.

Ambry Genetics
Classification: Likely benign for Inborn genetic diseases. Last evaluated: 2022-07-14. Review status: criteria provided, single submitter. Criteria: Ambry Variant Classification Scheme 2023. Collection method: clinical testing. Allele origin: germline.

Eurofins Ntd Llc (ga)
Classification: Uncertain significance. Last evaluated: 2018-02-06. Review status: criteria provided, single submitter. Criteria: EGL Classification Definitions 2015. Collection method: clinical testing. Allele origin: germline. Observed: 2 variant alleles, 2 heterozygotes.

PreventionGenetics, part of Exact Sciences
Classification: Likely benign for NPC1-related condition. Last evaluated: 2019-05-02. Review status: no assertion criteria provided. Collection method: clinical testing. Allele origin: germline. Not counted in ClinVar's aggregate classification.
Comment: This variant is classified as likely benign based on ACMG/AMP sequence variant interpretation guidelines (Richards et al. 2015 PMID: 25741868, with internal and published modifications).

NM_000271.5(NPC1):c.471C>T (p.Tyr157=)

Gene: NPC1 (NPC intracellular cholesterol transporter 1; minus strand). Cytogenetic location: 18q11.2.
Variant type: single nucleotide variant.
Coding change: c.471C>T on transcript NM_000271.5 (MANE Select); coding-DNA position 471, C replaced by T.
Protein change: p.Tyr157=; no amino-acid change (tyrosine 157 retained).
Molecular consequence: synonymous variant.
Genome position (GRCh38, 1-based): chr18:23,561,520, G>A on the plus strand (C>T on the coding strand, the complement: NPC1 is on the minus strand). VCF-style: chr18-23561520-G-A. GRCh37 (hg19) VCF-style: chr18-21141484-G-A.
Identifiers: ClinVar variation 596038 (VCV000596038.19), dbSNP rs145101354, ClinGen allele CA8913722.